The following is an entry in ClinVar:

NM_015512.5(DNAH1):c.23G>T (p.Gly8Val)

Gene: DNAH1 (dynein axonemal heavy chain 1; plus strand). Cytogenetic location: 3p21.1.
Variant type: single nucleotide variant.
Coding change: c.23G>T on transcript NM_015512.5 (MANE Select); coding-DNA position 23, G replaced by T.
Protein change: p.Gly8Val; replaces glycine 8 with valine.
Molecular consequence: missense variant.
Genome position (GRCh38, 1-based): chr3:52,322,465, G>T. VCF-style: chr3-52322465-G-T. GRCh37 (hg19) VCF-style: chr3-52356481-G-T.
Other names: short protein forms G8V.
Identifiers: ClinVar variation 4789780 (VCV004789780.1).

ClinVar aggregate classification (germline): Uncertain significance (1 of 4 stars; one submission).

Conditions:
Ciliary dyskinesia, primary, 37 (CILD37). Also called: CILIARY DYSKINESIA, PRIMARY, 37, WITH OR WITHOUT SITUS INVERSUS. Identifiers: MedGen C4539798, MONDO:0033204, OMIM 617577.
Spermatogenic failure 18. Identifiers: MedGen C4539783, MONDO:0054615, OMIM 617576.

gnomAD v4.1: 2 of 1,612,450 alleles (0.00012%); highest among the groups gnomAD compares: Admixed American, 0.0034%; no homozygotes.

Submission:

Labcorp Genetics (formerly Invitae), Labcorp
Classification: Uncertain significance for Ciliary dyskinesia, primary, 37; Spermatogenic failure 18. Last evaluated: 2025-10-11. Review status: criteria provided, single submitter. Criteria: Invitae Variant Classification Sherloc (09022015). Collection method: clinical testing. Allele origin: germline.
Comment: This sequence change replaces glycine, which is neutral and non-polar, with valine, which is neutral and non-polar, at codon 8 of the DNAH1 protein (p.Gly8Val). This variant is not present in population databases (gnomAD no frequency). This variant has not been reported in the literature in individuals affected with DNAH1-related conditions. An algorithm developed to predict the effect of missense changes on protein structure and function (PolyPhen-2) suggests that this variant is likely to be tolerated. In summary, the available evidence is currently insufficient to determine the role of this variant in disease. Therefore, it has been classified as a Variant of Uncertain Significance.